The following is an entry in ClinVar:

NM_000612.6(IGF2):c.421G>A (p.Val141Met)

Genes: IGF2 (insulin like growth factor 2; minus strand), INS-IGF2 (INS-IGF2 readthrough; minus strand). Cytogenetic location: 11p15.5.
Variant type: single nucleotide variant.
Coding change: c.421G>A on transcript NM_000612.6 (MANE Select); coding-DNA position 421, G replaced by A.
Protein change: p.Val141Met; replaces valine 141 with methionine.
Molecular consequence: missense variant. On other transcripts: non-coding transcript variant (1).
Genome position (GRCh38, 1-based): chr11:2,133,109, C>T on the plus strand (G>A on the coding strand, the complement: IGF2 is on the minus strand). VCF-style: chr11-2133109-C-T. GRCh37 (hg19) VCF-style: chr11-2154339-C-T.
Other names: c.421G>A, p.Val141Met (NM_001007139.6, NM_001291861.3, NM_001291862.3); c.589G>A, p.Val197Met (NM_001127598.3); short protein forms V197M, V141M.
Identifiers: ClinVar variation 2064076 (VCV002064076.5), dbSNP rs375129654, ClinGen allele CA5817618.

ClinVar aggregate classification (germline): Uncertain significance. Review status: criteria provided, multiple submitters, no conflicts (2 of 4 stars). 2 submissions from 2 submitters: Uncertain significance (2). Last evaluated 2025-08-07.

Conditions:
IGF2-related disorder. Also called: IGF2-related condition.

Allele frequency attached by ClinVar (database versions not stated): ExAC 0.00004; ESP Exome Variant Server 0.00015.
gnomAD v4.1: 49 of 1,607,202 alleles (0.003%); highest among the groups gnomAD compares: Middle Eastern, 0.017%; no homozygotes.

Submissions (2):

Labcorp Genetics (formerly Invitae), Labcorp
Classification: Uncertain significance. Last evaluated: 2025-08-07. Review status: criteria provided, single submitter. Criteria: Invitae Variant Classification Sherloc (09022015). Collection method: clinical testing. Allele origin: germline.
Comment: This sequence change replaces valine, which is neutral and non-polar, with methionine, which is neutral and non-polar, at codon 141 of the IGF2 protein (p.Val141Met). This variant is present in population databases (rs375129654, gnomAD 0.007%). This variant has not been reported in the literature in individuals affected with IGF2-related conditions. ClinVar contains an entry for this variant (Variation ID: 2064076). An algorithm developed to predict the effect of missense changes on protein structure and function outputs the following: PolyPhen-2: "Benign". The methionine amino acid residue is found in multiple mammalian species, which suggests that this missense change does not adversely affect protein function. In summary, the available evidence is currently insufficient to determine the role of this variant in disease. Therefore, it has been classified as a Variant of Uncertain Significance.

PreventionGenetics, part of Exact Sciences
Classification: Uncertain significance for IGF2-related condition. Last evaluated: 2023-07-20. Review status: criteria provided, single submitter. Criteria: ACMG Guidelines, 2015. Collection method: clinical testing. Allele origin: germline.
Comment: The IGF2 c.421G>A variant is predicted to result in the amino acid substitution p.Val141Met. To our knowledge, this variant has not been reported in the literature. This variant is reported in 0.0063% of alleles in individuals of African descent in gnomAD. It is interpreted as uncertain significance in ClinVar. At this time, the clinical significance of this variant is uncertain due to the absence of conclusive functional and genetic evidence.